The following is an entry in ClinVar:

ClinVar aggregate classification (germline): Pathogenic/Likely pathogenic. Review status: criteria provided, multiple submitters, no conflicts (2 of 4 stars). 3 submissions from 3 submitters: Pathogenic (2); Likely pathogenic (1). Last evaluated 2026-05-15.

Conditions:
Inborn genetic diseases. Identifiers: MedGen C0950123, MeSH D030342.
Hereditary spastic paraplegia 11. Also called: Nakamura Osame syndrome; Autosomal recessive hereditary spastic paraplegia, mental impairment, and thin corpus callosum; Spastic Paraplegia 11; SPASTIC PARAPLEGIA, AUTOSOMAL RECESSIVE, COMPLICATED, WITH THIN CORPUS CALLOSUM; SPASTIC PARAPLEGIA, AUTOSOMAL RECESSIVE, WITH MENTAL IMPAIRMENT AND THIN CORPUS CALLOSUM; Spastic paraplegia, mental retardation and thin corpus callosum. Identifiers: Orphanet 2822, MedGen C1858479, MONDO:0011445, OMIM 604360.

Allele frequency attached by ClinVar (database versions not stated): TOPMed 0.00002; gnomAD exomes 0.00001.
gnomAD v4.1: 15 of 1,613,434 alleles (0.00093%); highest among the groups gnomAD compares: Non-Finnish European, 0.0013%; no homozygotes.

Submissions (3):

Ambry Genetics
Classification: Pathogenic for Inborn genetic diseases. Last evaluated: 2026-05-15. Review status: criteria provided, single submitter. Criteria: Ambry Variant Classification Scheme 2023. Collection method: clinical testing. Allele origin: germline.
Comment: The c.5398C>T (p.Q1800*) alteration, located in exon 30 (coding exon 30) of the SPG11 gene, consists of a C to T substitution at nucleotide position 5398. This changes the amino acid from a glutamine (Q) to a stop codon at amino acid position 1800. This variant is expected to result in loss of function by premature protein truncation or nonsense-mediated mRNA decay. This variant was not reported in population-based cohorts in the Genome Aggregation Database (gnomAD). Based on the available evidence, this alteration is classified as pathogenic.

Variantyx, Inc.
Classification: Likely pathogenic for Hereditary spastic paraplegia 11. Last evaluated: 2025-03-23. Review status: criteria provided, single submitter. Criteria: Variantyx Assertion Criteria 2022. Collection method: clinical testing. Allele origin: maternal.
Comment: This is a nonsense variant in the SPG11 gene (OMIM: 610844). Pathogenic variants in this gene have been associated with autosomal recessive spastic paraplegia 11. This variant introduces a premature termination codon in exon 30 out of 40. It is expected to result in loss of function, which is a known disease mechanism for SPG11 in this disorder (PMID: 19105190, 20110243, 22154821, 26556829) (PVS1). This variant has a 0.0013% maximum allele frequency in non-founder control populations (PM2_Supporting). Based on the current evidence, this variant is classified as likely pathogenic for autosomal recessive spastic paraplegia 11.

Labcorp Genetics (formerly Invitae), Labcorp
Classification: Pathogenic for Hereditary spastic paraplegia 11. Last evaluated: 2023-11-15. Review status: criteria provided, single submitter. Criteria: Invitae Variant Classification Sherloc (09022015). Collection method: clinical testing. Allele origin: germline.
Comment: This sequence change creates a premature translational stop signal (p.Gln1800*) in the SPG11 gene. It is expected to result in an absent or disrupted protein product. Loss-of-function variants in SPG11 are known to be pathogenic (PMID: 19105190, 20110243, 22154821, 26556829). This variant is not present in population databases (gnomAD no frequency). This variant has not been reported in the literature in individuals affected with SPG11-related conditions. ClinVar contains an entry for this variant (Variation ID: 1458327). For these reasons, this variant has been classified as Pathogenic.

Literature cited by the submitters: PubMed 19105190 (cited by Labcorp Genetics (formerly Invitae), Labcorp); PubMed 20110243 (cited by Labcorp Genetics (formerly Invitae), Labcorp); PubMed 22154821 (cited by Labcorp Genetics (formerly Invitae), Labcorp); PubMed 26556829 (cited by Labcorp Genetics (formerly Invitae), Labcorp).

NM_025137.4(SPG11):c.5398C>T (p.Gln1800Ter)

Gene: SPG11 (SPG11 vesicle trafficking associated, spatacsin; minus strand). Cytogenetic location: 15q21.1.
Variant type: single nucleotide variant.
Coding change: c.5398C>T on transcript NM_025137.4 (MANE Select); coding-DNA position 5398, C replaced by T.
Protein change: p.Gln1800Ter; replaces glutamine 1800 with a stop codon.
Molecular consequence: nonsense.
Genome position (GRCh38, 1-based): chr15:44,584,282, G>A on the plus strand (C>T on the coding strand, the complement: SPG11 is on the minus strand). VCF-style: chr15-44584282-G-A. GRCh37 (hg19) VCF-style: chr15-44876480-G-A.
Other names: c.5398C>T, p.Gln1800Ter (NM_001160227.2); c.5398C>T (NM_025137.3); short protein forms Q1800*.
Identifiers: ClinVar variation 1458327 (VCV001458327.8), dbSNP rs1287370710, ClinGen allele CA392222628.